The following is an entry in ClinVar:

NM_001130987.2(DYSF):c.4059+28del

Gene: DYSF (dysferlin; plus strand). Cytogenetic location: 2p13.2.
Variant type: Deletion.
Coding change: c.4059+28del on transcript NM_001130987.2 (MANE Select); 28 bases into the intron after coding-DNA position 4059, one base deleted (G; older notation c.4059+28delG).
Molecular consequence: intron variant.
Genome position (GRCh38, 1-based): chr2:71,611,374, G deleted; the last of 5 consecutive G bases (chr2:71,611,370-71,611,374); deleting any one gives the same sequence. VCF-style (leftmost placement, unchanged base first): chr2-71611369-TG-T. GRCh37 (hg19) VCF-style: chr2-71838499-TG-T.
Other names: c.4098+28del (NM_001130979.2); c.4056+28del (NM_001130981.2, NM_001130980.2); c.4005+28del (NM_001130978.2, NM_003494.4); c.3963+28del (NM_001130977.2, NM_001130976.2); c.4101+28del (NM_001130982.2); c.4059+28del (NM_001130985.2); c.4008+28del (NM_001130983.2, NM_001130455.2); c.3966+28del (NM_001130984.2, NM_001130986.2).
Identifiers: ClinVar variation 678917 (VCV000678917.1), dbSNP rs113849164, ClinGen allele CA1706864.
Genomic context (GRCh38, chr2:71,611,369, plus strand): 5'-AGAACATCAAGCCAGCGCTCCAGCGTACCGCCATCGAGGTGAGCCGTCCGGGCCTGGGCG[TG>T]GGGGCTGGGAGCAGCCTGCCCTTCCCCTTCCTGGCCCCAGCCTTTCCTGGGGCCCGGGGC-3'

ClinVar aggregate classification (germline): Benign (1 of 4 stars; one submission).

Submission:

GeneDx
Classification: Benign. Last evaluated: 2018-06-19. Review status: criteria provided, single submitter. Criteria: GeneDx Variant Classification (06012015). Collection method: clinical testing. Allele origin: germline. Affected: yes.
Comment: This variant is considered likely benign or benign based on one or more of the following criteria: it is a conservative change, it occurs at a poorly conserved position in the protein, it is predicted to be benign by multiple in silico algorithms, and/or has population frequency not consistent with disease.